The following is an entry in ClinVar:

ClinVar aggregate classification (germline): Uncertain significance. Review status: criteria provided, multiple submitters, no conflicts (2 of 4 stars). 3 submissions from 3 submitters: Uncertain significance (3). Last evaluated 2026-08-20.

Conditions:
VCL-related disorder. Also called: VCL-related condition.
Cardiovascular phenotype. Identifiers: MedGen CN230736.
Dilated cardiomyopathy 1W (CMD1W). Identifiers: Orphanet 154, MedGen C1969639, MONDO:0012667, OMIM 611407.

Allele frequency attached by ClinVar (database versions not stated): gnomAD 0.00001; TOPMed 0.00002.
gnomAD v4.1: 46 of 1,614,026 alleles (0.0029%); highest among the groups gnomAD compares: Non-Finnish European, 0.0036%; no homozygotes.

Submissions (3):

PreventionGenetics, part of Exact Sciences
Classification: Uncertain significance for VCL-related condition. Last evaluated: 2026-08-20. Review status: criteria provided, single submitter. Criteria: ACMG Guidelines, 2015. Collection method: clinical testing. Allele origin: germline.
Comment: The VCL c.1382C>G variant is predicted to result in the amino acid substitution p.Ala461Gly. To our knowledge, this variant has not been reported in the literature. This variant is reported in 0.0065% of alleles in individuals of European (Non-Finnish) descent in gnomAD. At this time, the clinical significance of this variant is uncertain due to the absence of conclusive functional and genetic evidence.

Ambry Genetics
Classification: Uncertain significance for Cardiovascular phenotype. Last evaluated: 2025-10-24. Review status: criteria provided, single submitter. Criteria: Ambry Variant Classification Scheme 2023. Collection method: clinical testing. Allele origin: germline.
Comment: The p.A461G variant (also known as c.1382C>G), located in coding exon 11 of the VCL gene, results from a C to G substitution at nucleotide position 1382. The alanine at codon 461 is replaced by glycine, an amino acid with similar properties. This amino acid position is highly conserved in available vertebrate species. In addition, the in silico prediction for this alteration is inconclusive. Based on the available evidence, the clinical significance of this variant remains unclear.

Labcorp Genetics (formerly Invitae), Labcorp
Classification: Uncertain significance for Dilated cardiomyopathy 1W. Last evaluated: 2025-08-29. Review status: criteria provided, single submitter. Criteria: Invitae Variant Classification Sherloc (09022015). Collection method: clinical testing. Allele origin: germline.
Comment: This sequence change replaces alanine, which is neutral and non-polar, with glycine, which is neutral and non-polar, at codon 461 of the VCL protein (p.Ala461Gly). This variant is present in population databases (no rsID available, gnomAD 0.007%). This variant has not been reported in the literature in individuals affected with VCL-related conditions. ClinVar contains an entry for this variant (Variation ID: 263421). An algorithm developed to predict the effect of missense changes on protein structure and function (PolyPhen-2) suggests that this variant is likely to be disruptive. In summary, the available evidence is currently insufficient to determine the role of this variant in disease. Therefore, it has been classified as a Variant of Uncertain Significance.

NM_014000.3(VCL):c.1382C>G (p.Ala461Gly)

Gene: VCL (vinculin; plus strand). Cytogenetic location: 10q22.2.
Variant type: single nucleotide variant.
Coding change: c.1382C>G on transcript NM_014000.3 (MANE Select); coding-DNA position 1382, C replaced by G.
Protein change: p.Ala461Gly; replaces alanine 461 with glycine.
Molecular consequence: missense variant.
Genome position (GRCh38, 1-based): chr10:74,094,300, C>G. VCF-style: chr10-74094300-C-G. GRCh37 (hg19) VCF-style: chr10-75854058-C-G.
Other names: c.1382C>G, p.Ala461Gly (NM_003373.4); short protein forms A461G.
Identifiers: ClinVar variation 263421 (VCV000263421.10), dbSNP rs886038800, ClinGen allele CA10587706.
Genomic context (GRCh38, chr10:74,094,300, plus strand): 5'-TGTGACAGGATGGCTGTCTTTTTCTCTGTAGGGGGAAAGGAGATTCTCCAGAGGCTCGAG[C>G]CTTGGCCAAACAGGTGGCCACGGCCCTGCAGAACCTGCAGACCAAAACCAACCGGGCTGT-3'
Protein context (NP_054706.1, residues 451-471): QGKGDSPEAR[Ala461Gly]LAKQVATALQ